The following is an entry in ClinVar:

NM_145207.3(AFG2A):c.1333C>T (p.Arg445Ter)

Gene: AFG2A (AAA ATPase AFG2A; plus strand). Cytogenetic location: 4q28.1.
Variant type: single nucleotide variant.
Coding change: c.1333C>T on transcript NM_145207.3 (MANE Select); coding-DNA position 1333, C replaced by T.
Protein change: p.Arg445Ter; replaces arginine 445 with a stop codon.
Molecular consequence: nonsense.
Genome position (GRCh38, 1-based): chr4:122,936,155, C>T. VCF-style: chr4-122936155-C-T. GRCh37 (hg19) VCF-style: chr4-123857310-C-T.
Other names: c.1330C>T, p.Arg444Ter (NM_001317799.2, NM_001345856.2); short protein forms R444*, R445*.
Identifiers: ClinVar variation 948275 (VCV000948275.10), dbSNP rs879782394, ClinGen allele CA104815137.

ClinVar aggregate classification (germline): Pathogenic/Likely pathogenic. Review status: criteria provided, multiple submitters, no conflicts (2 of 4 stars). 4 submissions from 4 submitters: Pathogenic (2); Likely pathogenic (2). Last evaluated 2025-04-09.

Conditions:
AFG2A-related disorder. Also called: AFG2A-related condition.
Microcephaly-intellectual disability-sensorineural hearing loss-epilepsy-abnormal muscle tone syndrome (NEDHSB). Also called: NEURODEVELOPMENTAL DISORDER WITH HEARING LOSS, SEIZURES, AND BRAIN ABNORMALITIES. Identifiers: Orphanet 457351, MedGen C4225276, MONDO:0014698, OMIM 616577.

Allele frequency attached by ClinVar (database versions not stated): gnomAD 0.00001; gnomAD exomes 0.00001 and 0.00002; TOPMed 0.00004.
gnomAD v4.1: 14 of 1,597,394 alleles (0.00088%); highest among the groups gnomAD compares: Admixed American, 0.0086%; no homozygotes.

Submissions (4):

PreventionGenetics, part of Exact Sciences
Classification: Likely pathogenic for AFG2A-related condition. Last evaluated: 2025-04-09. Review status: criteria provided, single submitter. Criteria: ACMG Guidelines, 2015. Collection method: clinical testing. Allele origin: germline.
Comment: The AFG2A c.1333C>T variant is predicted to result in premature protein termination (p.Arg445*). To our knowledge, this variant has not been reported in the literature. This variant is reported in 0.021% of alleles in individuals of East Asian descent in gnomAD and has been interpreted as pathogenic in ClinVar. Nonsense variants in SPATA5 are expected to be pathogenic. This variant is interpreted as likely pathogenic.

Labcorp Genetics (formerly Invitae), Labcorp
Classification: Pathogenic for Microcephaly-intellectual disability-sensorineural hearing loss-epilepsy-abnormal muscle tone syndrome. Last evaluated: 2024-11-05. Review status: criteria provided, single submitter. Criteria: Invitae Variant Classification Sherloc (09022015). Collection method: clinical testing. Allele origin: germline.
Comment: This sequence change creates a premature translational stop signal (p.Arg445*) in the SPATA5 gene. It is expected to result in an absent or disrupted protein product. Loss-of-function variants in SPATA5 are known to be pathogenic (PMID: 26299366). This variant is present in population databases (no rsID available, gnomAD 0.02%). This variant has not been reported in the literature in individuals affected with SPATA5-related conditions. ClinVar contains an entry for this variant (Variation ID: 948275). For these reasons, this variant has been classified as Pathogenic.

GeneDx
Classification: Likely pathogenic. Last evaluated: 2024-06-14. Review status: criteria provided, single submitter. Criteria: GeneDx Variant Classification Process June 2021. Collection method: clinical testing. Allele origin: germline. Affected: yes.
Comment: Nonsense variant predicted to result in protein truncation or nonsense mediated decay in a gene for which loss of function is a known mechanism of disease; Has not been previously published as pathogenic or benign to our knowledge; This variant is associated with the following publications: (PMID: 26299366)

Centre de Biologie Pathologie Génétique, Centre Hospitalier Universitaire de Lille
Classification: Pathogenic for Microcephaly-intellectual disability-sensorineural hearing loss-epilepsy-abnormal muscle tone syndrome. Review status: criteria provided, single submitter. Criteria: ACMG Guidelines, 2015. Collection method: clinical testing. Allele origin: inherited. Affected: yes.

Literature cited by the submitters: PubMed 26299366 (cited by Labcorp Genetics (formerly Invitae), Labcorp).